The following is an entry in ClinVar:

NM_000128.4(F11):c.1784G>A (p.Trp595Ter)

Genes: F11 (coagulation factor XI; plus strand), F11-AS1 (F11 antisense RNA 1; minus strand). Cytogenetic location: 4q35.2.
Variant type: single nucleotide variant.
Coding change: c.1784G>A on transcript NM_000128.4 (MANE Select); coding-DNA position 1784, G replaced by A.
Protein change: p.Trp595Ter; replaces tryptophan 595 with a stop codon.
Molecular consequence: nonsense. On other transcripts: non-coding transcript variant (1).
Genome position (GRCh38, 1-based): chr4:186,288,520, G>A. VCF-style: chr4-186288520-G-A. GRCh37 (hg19) VCF-style: chr4-187209674-G-A.
Other names: c.1736G>A, p.Trp579Ter (NM_001440590.1); c.1688G>A, p.Trp563Ter (NM_001440593.1); c.1640G>A, p.Trp547Ter (NM_001440596.1); c.1514G>A, p.Trp505Ter (NM_001440605.1); c.1466G>A, p.Trp489Ter (NM_001440606.1); c.1418G>A, p.Trp473Ter (NM_001440607.1); c.1370G>A, p.Trp457Ter (NM_001440608.1); short protein forms W473*, W547*, W563*, W457*, W579*, W489*, W595*, W505*.
Identifiers: ClinVar variation 5004911 (VCV005004911.1).

ClinVar aggregate classification (germline): Pathogenic (1 of 4 stars; one submission).

Conditions:
Hereditary factor XI deficiency disease. Also called: PLASMA THROMBOPLASTIN ANTECEDENT DEFICIENCY; PTA DEFICIENCY; ROSENTHAL SYNDROME; Congenital factor XI deficiency. Identifiers: Orphanet 329, MedGen C0015523, MeSH D005173, MONDO:0012897, OMIM 612416.

gnomAD v4.1: 1 of 1,614,194 alleles (0.000062%); highest among the groups gnomAD compares: African/African-American, 0.0013%; no homozygotes.

Submission:

Myriad Genetics, Inc.
Classification: Pathogenic for Hereditary factor XI deficiency disease. Last evaluated: 2026-08-03. Review status: criteria provided, single submitter. Criteria: Myriad Autosomal Dominant, Autosomal Recessive and X-Linked Classification Criteria (2023). Collection method: clinical testing. Allele origin: unknown.
Comment: NM_000128.3(F11):c.1784G>A(W595*) is a nonsense variant classified as pathogenic in the context of factor XI deficiency. W595* has not been observed in cases with relevant disease. Relevant functional assessments of this variant are not available in the literature. W595* has been observed in referenced population frequency databases. In summary, NM_000128.3(F11):c.1784G>A(W595*) is a nonsense variant in a gene where loss of function is a known mechanism of disease and is predicted to disrupt protein function. Please note: this variant was assessed in the context of healthy population screening.